The following is an entry in ClinVar:

ClinVar aggregate classification (germline): Pathogenic (1 of 4 stars; one submission).

Conditions:
Methylmalonic aciduria, cblA type (MACA). Also called: Methylmalonic aciduria, vitamin b12-responsive, due to defect in synthesis of adenosylcobalamin, cbla complementation type; MMA cbl A type; Methylmalonic acidemia cblA type; Methylmalonic aciduria, vitamin B12-responsive; Vitamin B12-responsive methylmalonic acidemia type cblA. Identifiers: Orphanet 28, Orphanet 79310, MedGen C1855109, MONDO:0009613, OMIM 251100.

Submission:

Myriad Genetics, Inc.
Classification: Pathogenic for Methylmalonic aciduria, cblA type. Last evaluated: 2026-02-20. Review status: criteria provided, single submitter. Criteria: Myriad Autosomal Dominant, Autosomal Recessive and X-Linked Classification Criteria (2023). Collection method: clinical testing. Allele origin: unknown.
Comment: NM_172250.2(MMAA):c.602C>G(S201*) is expected to be pathogenic in the context of methylmalonic acidemia, cblA type. This variant is predicted to lead to an abnormal or absent protein product due to the creation of a premature termination codon in MMAA, a gene where loss-of-function variants are known to be pathogenic. Please note: this variant was assessed in the context of healthy population screening.

NM_172250.3(MMAA):c.602C>G (p.Ser201Ter)

Gene: MMAA (metabolism of cobalamin associated A; plus strand). Cytogenetic location: 4q31.21.
Variant type: single nucleotide variant.
Coding change: c.602C>G on transcript NM_172250.3 (MANE Select); coding-DNA position 602, C replaced by G.
Protein change: p.Ser201Ter; replaces serine 201 with a stop codon.
Molecular consequence: nonsense.
Genome position (GRCh38, 1-based): chr4:145,646,025, C>G. VCF-style: chr4-145646025-C-G. GRCh37 (hg19) VCF-style: chr4-146567177-C-G.
Other names: c.602C>G, p.Ser201Ter (NM_001375644.1); short protein forms S201*.
Identifiers: ClinVar variation 5015580 (VCV005015580.1).